The following is an entry in ClinVar:

NM_000230.3(LEP):c.398del (p.Gly133fs)

Gene: LEP (leptin; plus strand). Cytogenetic location: 7q32.1.
Variant type: Deletion.
Coding change: c.398del on transcript NM_000230.3 (MANE Select); coding-DNA position 398, one base deleted (G; older notation c.398delG).
Protein change: p.Gly133fs; shifts the reading frame from glycine 133.
Molecular consequence: frameshift variant.
Genome position (GRCh38, 1-based): chr7:128,254,657, G deleted; the last of 6 consecutive G bases (chr7:128,254,652-128,254,657); deleting any one gives the same sequence. VCF-style (leftmost placement, unchanged base first): chr7-128254651-TG-T. GRCh37 (hg19) VCF-style: chr7-127894704-TG-T.
Other names: c.398del (NM_000230.2); short protein forms G133fs.
Identifiers: ClinVar variation 13986 (VCV000013986.3), dbSNP rs771139087, ClinGen allele CA4469710.

ClinVar aggregate classification (germline): Pathogenic. Review status: criteria provided, single submitter (1 of 4 stars). 2 submissions from 2 submitters: Pathogenic (1). 1 of the submissions does not count toward it. Last evaluated 2024-07-11.

Conditions:
Obesity due to congenital leptin deficiency. Also called: Leptin deficiency or dysfunction. Identifiers: Orphanet 66628, MedGen C3554224, MONDO:0013991, OMIM 614962.

Submissions (2):

GeneDx
Classification: Pathogenic. Last evaluated: 2024-07-11. Review status: criteria provided, single submitter. Criteria: GeneDx Variant Classification Process June 2021. Collection method: clinical testing. Allele origin: germline. Affected: yes.
Comment: Published functional studies demonstrate a damaging effect where mutant leptin is not efficiently secreted, as compared to control leptin, and serum levels from homozygous patients show no expression of the protein (PMID: 9202122); Frameshift variant predicted to result in protein truncation as the last 35 amino acids are lost and replaced with 14 incorrect amino acids, although loss-of-function variants have not been reported downstream of this position in the protein; This variant is associated with the following publications: (PMID: 9202122, 15472169, 24041679, 22463805, 29101506, 38470203, 32349990, 37659411, 36825860, 36121795)

OMIM
Classification: Pathogenic for LEPTIN DEFICIENCY. Last evaluated: 2004-10-01. Review status: no assertion criteria provided. Collection method: literature only. Allele origin: germline. Not counted in ClinVar's aggregate classification.

Literature cited by the submitters: PubMed 9202122 (cited by OMIM); PubMed 12393845 (cited by OMIM); PubMed 15472169 (cited by OMIM).